The following is an entry in ClinVar:

NM_002016.2(FLG):c.7595C>T (p.Ser2532Leu)

Genes: FLG (filaggrin; minus strand), FLG-AS1 (FLG antisense RNA 1; plus strand). Cytogenetic location: 1q21.3.
Variant type: single nucleotide variant.
Coding change: c.7595C>T on transcript NM_002016.2 (MANE Select); coding-DNA position 7595, C replaced by T.
Protein change: p.Ser2532Leu; replaces serine 2532 with leucine.
Molecular consequence: missense variant.
Genome position (GRCh38, 1-based): chr1:152,307,291, G>A on the plus strand (C>T on the coding strand, the complement: FLG is on the minus strand). VCF-style: chr1-152307291-G-A. GRCh37 (hg19) VCF-style: chr1-152279767-G-A.
Other names: short protein forms S2532L.
Identifiers: ClinVar variation 1339692 (VCV001339692.1), dbSNP rs756739106, ClinGen allele CA342045724.

ClinVar aggregate classification (germline): Uncertain significance (1 of 4 stars; one submission).

gnomAD v4.1: 9 of 1,613,212 alleles (0.00056%); highest among the groups gnomAD compares: East Asian, 0.0045%; no homozygotes.

Submission:

Women's Health and Genetics/Laboratory Corporation of America, LabCorp
Classification: Uncertain significance. Last evaluated: 2022-01-13. Review status: criteria provided, single submitter. Criteria: LabCorp Variant Classification Summary - May 2015. Collection method: clinical testing. Allele origin: germline.
Comment: Variant summary: FLG c.7595C>T (p.Ser2532Leu) results in a non-conservative amino acid change in the encoded protein sequence. Two of four in-silico tools predict a benign effect of the variant on protein function. The variant allele was found at a frequency of 8e-06 in 251488 control chromosomes (gnomAD). The available data on variant occurrences in the general population are insufficient to allow any conclusion about variant significance. To our knowledge, no occurrence of c.7595C>T in individuals affected with Ichthyosis Vulgaris and no experimental evidence demonstrating its impact on protein function have been reported. No clinical diagnostic laboratories have submitted clinical-significance assessments for this variant to ClinVar after 2014. Based on the evidence outlined above, the variant was classified as uncertain significance.